The following is an entry in ClinVar:

NM_003024.3(ITSN1):c.1646A>G (p.Asn549Ser)

Gene: ITSN1 (intersectin 1; plus strand). Cytogenetic location: 21q22.11.
Variant type: single nucleotide variant.
Coding change: c.1646A>G on transcript NM_003024.3 (MANE Select); coding-DNA position 1646, A replaced by G.
Protein change: p.Asn549Ser; replaces asparagine 549 with serine.
Molecular consequence: missense variant.
Genome position (GRCh38, 1-based): chr21:33,781,510, A>G. VCF-style: chr21-33781510-A-G. GRCh37 (hg19) VCF-style: chr21-35153814-A-G.
Other names: c.1646A>G, p.Asn549Ser (NM_001001132.2, NM_001331008.2, NM_001331009.2 and 2 more transcripts); c.1535A>G, p.Asn512Ser (NM_001331012.2); short protein forms N512S, N549S.
Identifiers: ClinVar variation 3239171 (VCV003239171.19), dbSNP rs142361441.

ClinVar aggregate classification (germline): Likely benign (1 of 4 stars; one submission).

Allele frequency attached by ClinVar (database versions not stated): gnomAD exomes 0.00026; ExAC 0.00089; gnomAD 0.00293; TOPMed 0.00337; 1000 Genomes Project 0.00339; 1000 Genomes Project 30x 0.00344; ESP Exome Variant Server 0.00384.
gnomAD v4.1: 842 of 1,594,408 alleles (0.053%); highest among the groups gnomAD compares: African/African-American, 1%; 4 homozygotes.

Submission:

CeGaT Center for Human Genetics Tuebingen
Classification: Likely benign. Last evaluated: 2026-01-01. Review status: criteria provided, single submitter. Criteria: CeGaT Center For Human Genetics Tuebingen Variant Classification Criteria Version 2. Collection method: clinical testing. Allele origin: germline. Affected: yes. Observed: 2 variant alleles.
Comment: ITSN1: BS1